The following is an entry in ClinVar:

NM_000051.4(ATM):c.8600G>A (p.Gly2867Glu)

Genes: ATM (ATM serine/threonine kinase; plus strand), C11orf65 (chromosome 11 open reading frame 65; minus strand). Cytogenetic location: 11q22.3.
Variant type: single nucleotide variant.
Coding change: c.8600G>A on transcript NM_000051.4 (MANE Select); coding-DNA position 8600, G replaced by A.
Protein change: p.Gly2867Glu; replaces glycine 2867 with glutamic acid.
Molecular consequence: missense variant. On other transcripts: intron variant (2).
Genome position (GRCh38, 1-based): chr11:108,347,294, G>A. VCF-style: chr11-108347294-G-A. GRCh37 (hg19) VCF-style: chr11-108218021-G-A.
Other names: c.8600G>A, p.Gly2867Glu (NM_001351834.2); c.641-38223C>T (NM_001330368.2); c.695-12002C>T (NM_001351110.2); short protein forms G2867E.
Identifiers: ClinVar variation 1010842 (VCV001010842.8), dbSNP rs2088544594, ClinGen allele CA382520455.

ClinVar aggregate classification (germline): Uncertain significance. Review status: criteria provided, multiple submitters, no conflicts (2 of 4 stars). 2 submissions from 2 submitters: Uncertain significance (2). Last evaluated 2025-11-28.

Conditions:
Hereditary cancer-predisposing syndrome. Also called: Neoplastic Syndromes, Hereditary; Tumor predisposition; Hereditary Cancer Syndrome; Hereditary neoplastic syndrome. Identifiers: Orphanet 140162, MedGen C0027672, MeSH D009386, MONDO:0015356.
Ataxia-telangiectasia syndrome (AT). Also called: Ataxia telangiectasia (A-T); ATAXIA-TELANGIECTASIA, COMPLEMENTATION GROUP A; ATAXIA-TELANGIECTASIA, FRESNO VARIANT; Ataxia-telangiectasia; Ataxia-telangiectasia, complementation group E; LOUIS-BAR SYNDROME. Identifiers: Orphanet 100, MedGen C0004135, MONDO:0008840, OMIM 208900.

Submissions (2):

Labcorp Genetics (formerly Invitae), Labcorp
Classification: Uncertain significance for Ataxia-telangiectasia syndrome. Last evaluated: 2025-11-28. Review status: criteria provided, single submitter. Criteria: Invitae Variant Classification Sherloc (09022015). Collection method: clinical testing. Allele origin: germline.
Comment: This sequence change replaces glycine, which is neutral and non-polar, with glutamic acid, which is acidic and polar, at codon 2867 of the ATM protein (p.Gly2867Glu). This variant is not present in population databases (gnomAD no frequency). This variant has not been reported in the literature in individuals affected with ATM-related conditions. ClinVar contains an entry for this variant (Variation ID: 1010842). Invitae Evidence Modeling of protein sequence and biophysical properties (such as structural, functional, and spatial information, amino acid conservation, physicochemical variation, residue mobility, and thermodynamic stability) indicates that this missense variant is expected to disrupt ATM protein function with a positive predictive value of 95%. In summary, the available evidence is currently insufficient to determine the role of this variant in disease. Therefore, it has been classified as a Variant of Uncertain Significance.

Color Diagnostics, LLC DBA Color Health
Classification: Uncertain significance for Hereditary cancer-predisposing syndrome. Last evaluated: 2022-02-01. Review status: criteria provided, single submitter. Criteria: ACMG Guidelines, 2015. Collection method: clinical testing. Allele origin: germline.
Comment: This missense variant replaces glycine with glutamic acid at codon 2867 of the ATM protein. Computational prediction suggests that this variant may have deleterious impact on protein structure and function (internally defined REVEL score threshold >= 0.7, PMID: 27666373). To our knowledge, functional studies have not been reported for this variant. This variant has not been reported in individuals affected with hereditary cancer in the literature. This variant has been reported with the loss of the second ATM allele in chronic lymphocytic leukemia, and suggested to contribute tumor progression, but not initiation (PMID: 11756185, 12400598, 12958068, 16014569, 17968022, 21933854; DOI: 10.1182/blood.V116.21.2420.2420). This variant has not been identified in the general population by the Genome Aggregation Database (gnomAD). The available evidence is insufficient to determine the role of this variant in disease conclusively. Therefore, this variant is classified as a Variant of Uncertain Significance.

Literature cited by the submitters: PubMed 11756185 (cited by Color Diagnostics, LLC DBA Color Health); PubMed 12400598 (cited by Color Diagnostics, LLC DBA Color Health); PubMed 12958068 (cited by Color Diagnostics, LLC DBA Color Health); PubMed 16014569 (cited by Color Diagnostics, LLC DBA Color Health); PubMed 17968022 (cited by Color Diagnostics, LLC DBA Color Health); PubMed 21933854 (cited by Color Diagnostics, LLC DBA Color Health).